The following is an entry in ClinVar:

ClinVar aggregate classification (germline): Uncertain significance (1 of 4 stars; one submission).

Conditions:
Hereditary cancer-predisposing syndrome. Also called: Tumor predisposition; Neoplastic Syndromes, Hereditary; Hereditary Cancer Syndrome; Hereditary neoplastic syndrome. Identifiers: Orphanet 140162, MedGen C0027672, MeSH D009386, MONDO:0015356.

Submission:

Ambry Genetics
Classification: Uncertain significance for Hereditary cancer-predisposing syndrome. Last evaluated: 2024-12-19. Review status: criteria provided, single submitter. Criteria: Ambry Variant Classification Scheme 2023. Collection method: clinical testing. Allele origin: germline.
Comment: The p.N244S variant (also known as c.731A>G), located in coding exon 3 of the MEN1 gene, results from an A to G substitution at nucleotide position 731. The asparagine at codon 244 is replaced by serine, an amino acid with highly similar properties. This amino acid position is conserved. In addition, the in silico prediction for this alteration is inconclusive. Based on the available evidence, the clinical significance of this variant remains unclear.

NM_001370259.2(MEN1):c.731A>G (p.Asn244Ser)

Gene: MEN1 (menin 1; minus strand). Cytogenetic location: 11q13.1.
Variant type: single nucleotide variant.
Coding change: c.731A>G on transcript NM_001370259.2 (MANE Select); coding-DNA position 731, A replaced by G.
Protein change: p.Asn244Ser; replaces asparagine 244 with serine.
Molecular consequence: missense variant. On other transcripts: non-coding transcript variant (4).
Genome position (GRCh38, 1-based): chr11:64,807,604, T>C on the plus strand (A>G on the coding strand, the complement: MEN1 is on the minus strand). VCF-style: chr11-64807604-T-C. GRCh37 (hg19) VCF-style: chr11-64575076-T-C.
Other names: c.746A>G, p.Asn249Ser (NM_000244.4, NM_001407145.1, NM_001407150.1 and 5 more transcripts); c.731A>G, p.Asn244Ser (NM_001370251.2, NM_001370260.2, NM_001370261.2 and 7 more transcripts); c.626A>G, p.Asn209Ser (NM_001370262.2, NM_001370263.2, NM_001407148.1 and 2 more transcripts); short protein forms N244S, N249S, N209S.
Identifiers: ClinVar variation 3872240 (VCV003872240.1).
Genomic context (GRCh38, chr11:64,807,604, plus strand): 5'-GCCCTCACCTGCTGCAGCTGCAGAAGCTCCAGCGAGTCGGTGTGCAGGTCAATGGAAGGG[T>C]TGATGGCACACACCATGAACGCCACCTCCATCTTGCGGTCACAGCGCATGTATGATCCTT-3'
Protein context (NP_001357188.2, residues 234-254): MEVAFMVCAI[Asn244Ser]PSIDLHTDSL